The following is an entry in ClinVar:

ClinVar aggregate classification (germline): Uncertain significance. Review status: criteria provided, multiple submitters, no conflicts (2 of 4 stars). 2 submissions from 2 submitters: Uncertain significance (2). Last evaluated 2023-06-01.

Conditions:
Hereditary cancer-predisposing syndrome. Also called: Tumor predisposition; Hereditary neoplastic syndrome; Neoplastic Syndromes, Hereditary; Hereditary Cancer Syndrome. Identifiers: Orphanet 140162, MedGen C0027672, MeSH D009386, MONDO:0015356.
Ataxia-telangiectasia syndrome (AT). Also called: Ataxia-telangiectasia, complementation group D; AT, COMPLEMENTATION GROUP C; ATAXIA-TELANGIECTASIA, COMPLEMENTATION GROUP A; ATAXIA-TELANGIECTASIA, FRESNO VARIANT; Ataxia-telangiectasia; LOUIS-BAR SYNDROME. Identifiers: Orphanet 100, MedGen C0004135, MONDO:0008840, OMIM 208900.

Submissions (2):

Ambry Genetics
Classification: Uncertain significance for Hereditary cancer-predisposing syndrome. Last evaluated: 2023-06-01. Review status: criteria provided, single submitter. Criteria: Ambry Variant Classification Scheme 2023. Collection method: clinical testing. Allele origin: germline.
Comment: The p.Q3014H variant (also known as c.9042A>T), located in coding exon 62 of the ATM gene, results from an A to T substitution at nucleotide position 9042. The glutamine at codon 3014 is replaced by histidine, an amino acid with highly similar properties. This amino acid position is conserved. In addition, this alteration is predicted to be tolerated by in silico analysis. Since supporting evidence is limited at this time, the clinical significance of this alteration remains unclear.

Labcorp Genetics (formerly Invitae), Labcorp
Classification: Uncertain significance for Ataxia-telangiectasia syndrome. Last evaluated: 2018-10-31. Review status: criteria provided, single submitter. Criteria: Invitae Variant Classification Sherloc (09022015). Collection method: clinical testing. Allele origin: germline.
Comment: In summary, the available evidence is currently insufficient to determine the role of this variant in disease. Therefore, it has been classified as a Variant of Uncertain Significance. Algorithms developed to predict the effect of missense changes on protein structure and function are either unavailable or do not agree on the potential impact of this missense change (SIFT: "Deleterious"; PolyPhen-2: "Possibly Damaging"; Align-GVGD: "Class C0"). This variant has not been reported in the literature in individuals with ATM-related disease. This variant is not present in population databases (ExAC no frequency). This sequence change replaces glutamine with histidine at codon 3014 of the ATM protein (p.Gln3014His). The glutamine residue is moderately conserved and there is a small physicochemical difference between glutamine and histidine.

NM_000051.4(ATM):c.9042A>T (p.Gln3014His)

Genes: ATM (ATM serine/threonine kinase; plus strand), C11orf65 (chromosome 11 open reading frame 65; minus strand). Cytogenetic location: 11q22.3.
Variant type: single nucleotide variant.
Coding change: c.9042A>T on transcript NM_000051.4 (MANE Select); coding-DNA position 9042, A replaced by T.
Protein change: p.Gln3014His; replaces glutamine 3014 with histidine.
Molecular consequence: missense variant. On other transcripts: intron variant (2).
Genome position (GRCh38, 1-based): chr11:108,365,379, A>T. VCF-style: chr11-108365379-A-T. GRCh37 (hg19) VCF-style: chr11-108236106-A-T.
Other names: c.9042A>T, p.Gln3014His (NM_001351834.2); c.640+20541T>A (NM_001330368.2); c.694+20541T>A (NM_001351110.2); short protein forms Q3014H.
Identifiers: ClinVar variation 656281 (VCV000656281.11), dbSNP rs1060504291, ClinGen allele CA382531358.